The following is an entry in ClinVar:

NM_182961.4(SYNE1):c.23335T>G (p.Leu7779Val)

Gene: SYNE1 (spectrin repeat containing nuclear envelope protein 1; minus strand). Cytogenetic location: 6q25.2.
Variant type: single nucleotide variant.
Coding change: c.23335T>G on transcript NM_182961.4 (MANE Select); coding-DNA position 23335, T replaced by G.
Protein change: p.Leu7779Val; replaces leucine 7779 with valine.
Molecular consequence: missense variant. On other transcripts: 5 prime UTR variant (1).
Genome position (GRCh38, 1-based): chr6:152,180,261, A>C on the plus strand (T>G on the coding strand, the complement: SYNE1 is on the minus strand). VCF-style: chr6-152180261-A-C. GRCh37 (hg19) VCF-style: chr6-152501396-A-C.
Other names: c.-60T>G (NM_001347701.2); c.23122T>G, p.Leu7708Val (NM_033071.5); short protein forms L7708V, L7779V.
Identifiers: ClinVar variation 586724 (VCV000586724.9), dbSNP rs200800604, ClinGen allele CA4053619.

ClinVar aggregate classification (germline): Uncertain significance. Review status: criteria provided, multiple submitters, no conflicts (2 of 4 stars). 2 submissions from 2 submitters: Uncertain significance (2). Last evaluated 2022-09-13.

Conditions:
Emery-Dreifuss muscular dystrophy 4, autosomal dominant (EDMD4). Also called: EMERY-DREIFUSS MUSCULAR DYSTROPHY 4 WITH VARIABLE FEATURES. Identifiers: Orphanet 261, MedGen C2751807, MONDO:0013071, OMIM 612998.
Autosomal recessive ataxia, Beauce type. Also called: SYNE1-Related Autosomal Recessive Cerebellar Ataxia; Spinocerebellar ataxia, autosomal recessive 8; ATAXIA, RECESSIVE, OF BEAUCE; SYNE1 Deficiency. Identifiers: Orphanet 88644, MedGen C1853116, MONDO:0012549, OMIM 610743.

gnomAD v4.1: 6 of 1,614,048 alleles (0.00037%); highest among the groups gnomAD compares: East Asian, 0.013%; no homozygotes.

Submissions (2):

Labcorp Genetics (formerly Invitae), Labcorp
Classification: Uncertain significance for Emery-Dreifuss muscular dystrophy 4, autosomal dominant; Autosomal recessive ataxia, Beauce type. Last evaluated: 2022-09-13. Review status: criteria provided, single submitter. Criteria: Invitae Variant Classification Sherloc (09022015). Collection method: clinical testing. Allele origin: germline.
Comment: In summary, the available evidence is currently insufficient to determine the role of this variant in disease. Therefore, it has been classified as a Variant of Uncertain Significance. Algorithms developed to predict the effect of missense changes on protein structure and function (SIFT, PolyPhen-2, Align-GVGD) all suggest that this variant is likely to be disruptive. ClinVar contains an entry for this variant (Variation ID: 586724). This variant has not been reported in the literature in individuals affected with SYNE1-related conditions. This variant is present in population databases (rs200800604, gnomAD 0.04%). This sequence change replaces leucine, which is neutral and non-polar, with valine, which is neutral and non-polar, at codon 7708 of the SYNE1 protein (p.Leu7708Val).

Athena Diagnostics
Classification: Uncertain significance. Last evaluated: 2018-05-14. Review status: criteria provided, single submitter. Criteria: Athena Diagnostics Criteria. Collection method: clinical testing. Allele origin: germline.